The following is an entry in ClinVar:

ClinVar aggregate classification (germline): Pathogenic/Likely pathogenic. Review status: criteria provided, multiple submitters, no conflicts (2 of 4 stars). 5 submissions from 5 submitters: Pathogenic (4); Likely pathogenic (1). Last evaluated 2026-03-30.

Conditions:
Biotin-responsive basal ganglia disease (BTBGD). Also called: THIAMINE METABOLISM DYSFUNCTION SYNDROME 2 (BIOTIN- AND THIAMINE-RESPONSIVE TYPE); thiamine-responsive encephalopathy; Thiamine Transporter-2 Deficiency; Thiamine metabolism dysfunction syndrome 2 (biotin- or thiamine-responsive encephalopathy type 2); Thiamine metabolism dysfunction syndrome type 2. Identifiers: Orphanet 199348, Orphanet 65284, MedGen C1843807, MONDO:0011841, OMIM 607483.

Submissions (5):

GeneDx
Classification: Pathogenic. Last evaluated: 2026-03-30. Review status: criteria provided, single submitter. Criteria: GeneDx Variant Classification Process June 2021. Collection method: clinical testing. Allele origin: germline.
Comment: Not observed at significant frequency in large population cohorts (gnomAD); Frameshift variant predicted to result in protein truncation or nonsense mediated decay in a gene for which loss of function is a known mechanism of disease; This variant is associated with the following publications: (PMID: 31589614, 31440721, 28696212, 24957181, 28856750)

Myriad Genetics, Inc.
Classification: Pathogenic for Biotin-responsive basal ganglia disease. Last evaluated: 2025-12-31. Review status: criteria provided, single submitter. Criteria: Myriad Autosomal Dominant, Autosomal Recessive and X-Linked Classification Criteria (2023). Collection method: clinical testing. Allele origin: unknown.
Comment: NM_025243.3(SLC19A3):c.1079dupT(L360Ffs*38) is a frameshift variant classified as pathogenic in the context of biotin-thiamine-responsive basal ganglia disease. L360Ffs*38 has been observed in a case with relevant disease (PMID: 24957181). Relevant functional assessments of this variant are not available in the literature. L360Ffs*38 has been observed in referenced population frequency databases. In summary, NM_025243.3(SLC19A3):c.1079dupT(L360Ffs*38) is a frameshift variant in a gene where loss of function is a known mechanism of disease, is predicted to disrupt protein function, and has been observed more frequently in cases with the relevant disease than in healthy populations. Please note: this variant was assessed in the context of healthy population screening.

Labcorp Genetics (formerly Invitae), Labcorp
Classification: Pathogenic for Biotin-responsive basal ganglia disease. Last evaluated: 2025-10-03. Review status: criteria provided, single submitter. Criteria: Invitae Variant Classification Sherloc (09022015). Collection method: clinical testing. Allele origin: germline.
Comment: This sequence change creates a premature translational stop signal (p.Leu360Phefs*38) in the SLC19A3 gene. It is expected to result in an absent or disrupted protein product. Loss-of-function variants in SLC19A3 are known to be pathogenic (PMID: 23423671, 23482991). This variant is not present in population databases (gnomAD no frequency). This premature translational stop signal has been observed in individual(s) with Leigh syndrome (PMID: 24957181). ClinVar contains an entry for this variant (Variation ID: 579605). For these reasons, this variant has been classified as Pathogenic.

Fulgent Genetics
Classification: Likely pathogenic for Biotin-responsive basal ganglia disease. Last evaluated: 2024-03-06. Review status: criteria provided, single submitter. Criteria: ACMG Guidelines, 2015. Collection method: clinical testing. Allele origin: germline.

Genetics and Genomic Medicine Centre, NeuroGen Healthcare, NeuroGen Healthcare
Classification: Pathogenic for Biotin-responsive basal ganglia disease. Last evaluated: 2021-10-04. Review status: criteria provided, single submitter. Criteria: Submitter's publication. Collection method: clinical testing. Allele origin: unknown. Affected: no.

Literature cited by the submitters: PubMed 24957181 (cited by Myriad Genetics, Inc. and Labcorp Genetics (formerly Invitae), Labcorp); PubMed 23423671 (cited by Labcorp Genetics (formerly Invitae), Labcorp); PubMed 23482991 (cited by Labcorp Genetics (formerly Invitae), Labcorp).

NM_025243.4(SLC19A3):c.1079dup (p.Leu360fs)

Gene: SLC19A3 (solute carrier family 19 member 3; minus strand). Cytogenetic location: 2q36.3.
Variant type: Duplication.
Coding change: c.1079dup on transcript NM_025243.4 (MANE Select); coding-DNA position 1079, one base duplicated (T; older notation c.1079dupT).
Protein change: p.Leu360fs; shifts the reading frame from leucine 360.
Molecular consequence: frameshift variant.
Genome position (GRCh38, 1-based): chr2:227,695,982, A duplicated on the plus strand (T on the coding strand, the reverse complement: SLC19A3 is on the minus strand); the first of 3 consecutive A bases (chr2:227,695,982-227,695,984); duplicating any one gives the same sequence. VCF-style (leftmost placement, unchanged base first): chr2-227695981-T-TA. GRCh37 (hg19) VCF-style: chr2-228560697-T-TA.
Other names: c.1079dup (NM_025243.3); c.1079dupT (NM_025243.3); short protein forms L360fs.
Identifiers: ClinVar variation 579605 (VCV000579605.14), dbSNP rs1559247315, ClinGen allele CA891843150.